The following is an entry in ClinVar:

NM_001007553.3(CSDE1):c.102A>C (p.Leu34Phe)

Gene: CSDE1 (cold shock domain containing E1; minus strand). Cytogenetic location: 1p13.2.
Variant type: single nucleotide variant.
Coding change: c.102A>C on transcript NM_001007553.3 (MANE Select); coding-DNA position 102, A replaced by C.
Protein change: p.Leu34Phe; replaces leucine 34 with phenylalanine.
Molecular consequence: missense variant.
Genome position (GRCh38, 1-based): chr1:114,739,789, T>G on the plus strand (A>C on the coding strand, the complement: CSDE1 is on the minus strand). VCF-style: chr1-114739789-T-G. GRCh37 (hg19) VCF-style: chr1-115282410-T-G.
Other names: c.240A>C, p.Leu80Phe (NM_001130523.3, NM_001242891.2); c.102A>C, p.Leu34Phe (NM_001242892.2, NM_001242893.2, NM_007158.6); short protein forms L34F, L80F.
Identifiers: ClinVar variation 4975670 (VCV004975670.1).

ClinVar aggregate classification (germline): Uncertain significance (1 of 4 stars; one submission).

Submission:

GeneDx
Classification: Uncertain significance. Last evaluated: 2026-01-25. Review status: criteria provided, single submitter. Criteria: GeneDx Variant Classification Process June 2021. Collection method: clinical testing. Allele origin: germline.
Comment: Not observed at significant frequency in large population cohorts (gnomAD); In silico analysis supports that this missense variant has a deleterious effect on protein structure/function; Has not been previously published as pathogenic or benign to our knowledge